The following is an entry in ClinVar:

NM_001272071.2(AP1S2):c.427-9C>A

Gene: AP1S2 (adaptor related protein complex 1 subunit sigma 2; minus strand). Cytogenetic location: Xp22.2.
Variant type: single nucleotide variant.
Coding change: c.427-9C>A on transcript NM_001272071.2 (MANE Select); 9 bases into the intron before coding-DNA position 427, C replaced by A.
Molecular consequence: intron variant.
Genome position (GRCh38, 1-based): chrX:15,828,209, G>T on the plus strand (C>A on the coding strand, the complement: AP1S2 is on the minus strand). VCF-style: chrX-15828209-G-T. GRCh37 (hg19) VCF-style: chrX-15846332-G-T.
Other names: c.427-837C>A (NM_003916.5).
Identifiers: ClinVar variation 380610 (VCV000380610.2), dbSNP rs1057520872, ClinGen allele CA16608789.

ClinVar aggregate classification (germline): Likely benign. Review status: criteria provided, multiple submitters, no conflicts (2 of 4 stars). 2 submissions from 2 submitters: Likely benign (2). Last evaluated 2015-09-16.

Allele frequency attached by ClinVar (database versions not stated): gnomAD exomes below 0.00001.
gnomAD v4.1: 2 of 1,105,214 alleles (0.00018%); highest among the groups gnomAD compares: Middle Eastern, 0.048%; no homozygotes.

Submissions (2):

GeneDx
Classification: Likely benign. Last evaluated: 2015-09-16. Review status: criteria provided, single submitter. Criteria: GeneDx Variant Classification (06012015). Collection method: clinical testing. Allele origin: germline. Affected: yes.
Comment: This variant is considered likely benign or benign based on one or more of the following criteria: it is a conservative change, it occurs at a poorly conserved position in the protein, it is predicted to be benign by multiple in silico algorithms, and/or has population frequency not consistent with disease.

Breakthrough Genomics
Classification: Likely benign. Review status: criteria provided, single submitter. Criteria: ACMG Guidelines, 2015. Collection method: not provided. Allele origin: germline. Inheritance: X-linked recessive inheritance. Affected: yes.